The following is an entry in ClinVar:

ClinVar aggregate classification (germline): Likely pathogenic (1 of 4 stars; one submission).

Submission:

Labcorp Genetics (formerly Invitae), Labcorp
Classification: Likely pathogenic. Last evaluated: 2023-01-05. Review status: criteria provided, single submitter. Criteria: Invitae Variant Classification Sherloc (09022015). Collection method: clinical testing. Allele origin: germline.
Comment: In summary, the currently available evidence indicates that the variant is pathogenic, but additional data are needed to prove that conclusively. Therefore, this variant has been classified as Likely Pathogenic. Algorithms developed to predict the effect of sequence changes on RNA splicing suggest that this variant may disrupt the consensus splice site. This variant has not been reported in the literature in individuals affected with LAMB3-related conditions. This variant is not present in population databases (gnomAD no frequency). This sequence change affects a donor splice site in intron 10 of the LAMB3 gene. It is expected to disrupt RNA splicing. Variants that disrupt the donor or acceptor splice site typically lead to a loss of protein function (PMID: 16199547), and loss-of-function variants in LAMB3 are known to be pathogenic (PMID: 11023379, 16473856).

Literature cited by the submitters: PubMed 16199547; PubMed 11023379; PubMed 16473856.

NM_000228.3(LAMB3):c.1132+1G>A

Gene: LAMB3 (laminin subunit beta 3; minus strand). Cytogenetic location: 1q32.2.
Variant type: single nucleotide variant.
Coding change: c.1132+1G>A on transcript NM_000228.3 (MANE Select); the canonical splice donor site of the intron after coding-DNA position 1132, G replaced by A.
Molecular consequence: splice donor variant.
Genome position (GRCh38, 1-based): chr1:209,629,736, C>T on the plus strand (G>A on the coding strand, the complement: LAMB3 is on the minus strand). VCF-style: chr1-209629736-C-T. GRCh37 (hg19) VCF-style: chr1-209803081-C-T.
Other names: c.1132+1G>A (NM_001127641.1, NM_001017402.2).
Identifiers: ClinVar variation 2826200 (VCV002826200.3), dbSNP rs113695558, ClinGen allele CA344592128.